The following is an entry in ClinVar:

NM_001366110.1(PAX4):c.332G>T (p.Gly111Val)

Gene: PAX4 (paired box 4; minus strand). Cytogenetic location: 7q32.1.
Variant type: single nucleotide variant.
Coding change: c.332G>T on transcript NM_001366110.1 (MANE Select); coding-DNA position 332, G replaced by T.
Protein change: p.Gly111Val; replaces glycine 111 with valine.
Molecular consequence: missense variant.
Genome position (GRCh38, 1-based): chr7:127,614,908, C>A on the plus strand (G>T on the coding strand, the complement: PAX4 is on the minus strand). VCF-style: chr7-127614908-C-A. GRCh37 (hg19) VCF-style: chr7-127254962-C-A.
Other names: c.332G>T, p.Gly111Val (NM_001366111.1); short protein forms G111V.
Identifiers: ClinVar variation 3006315 (VCV003006315.3), dbSNP rs773308230, ClinGen allele CA4468135.
Genomic context (GRCh38, chr7:127,614,908, plus strand): 5'-CAGCCCCAGTGTGGGGAGGGAAGGGTACTTACACTGGGAGTCTTGTCCTGGGTGCAAAGC[C>A]CTTCAGCACAAAGCTGGCGTTGGATTTCCCAGGCAAAGAGGGCTGGACACTCACCCTTCA-3'
Protein context (NP_001353039.1, residues 101-121): WEIQRQLCAE[Gly111Val]LCTQDKTPSV

ClinVar aggregate classification (germline): Uncertain significance (1 of 4 stars; one submission).

Allele frequency attached by ClinVar (database versions not stated): gnomAD exomes below 0.00001; ExAC 0.00001; TOPMed 0.00002; gnomAD 0.00003.
gnomAD v4.1: 11 of 1,613,998 alleles (0.00068%); highest among the groups gnomAD compares: Non-Finnish European, 0.00093%; no homozygotes.

Submission:

Labcorp Genetics (formerly Invitae), Labcorp
Classification: Uncertain significance. Last evaluated: 2023-12-30. Review status: criteria provided, single submitter. Criteria: Invitae Variant Classification Sherloc (09022015). Collection method: clinical testing. Allele origin: germline.
Comment: This sequence change replaces glycine, which is neutral and non-polar, with valine, which is neutral and non-polar, at codon 103 of the PAX4 protein (p.Gly103Val). This variant is present in population databases (rs773308230, gnomAD 0.0009%). This variant has not been reported in the literature in individuals affected with PAX4-related conditions. An algorithm developed to predict the effect of missense changes on protein structure and function (PolyPhen-2) suggests that this variant is likely to be disruptive. In summary, the available evidence is currently insufficient to determine the role of this variant in disease. Therefore, it has been classified as a Variant of Uncertain Significance.